The following is an entry in ClinVar:

NM_001372.4(DNAH9):c.13093C>T (p.Arg4365Cys)

Gene: DNAH9 (dynein axonemal heavy chain 9; plus strand). Cytogenetic location: 17p12.
Variant type: single nucleotide variant.
Coding change: c.13093C>T on transcript NM_001372.4 (MANE Select); coding-DNA position 13093, C replaced by T.
Protein change: p.Arg4365Cys; replaces arginine 4365 with cysteine.
Molecular consequence: missense variant.
Genome position (GRCh38, 1-based): chr17:11,962,116, C>T. VCF-style: chr17-11962116-C-T. GRCh37 (hg19) VCF-style: chr17-11865433-C-T.
Other names: c.2029C>T, p.Arg677Cys (NM_004662.2); short protein forms R4365C, R677C.
Identifiers: ClinVar variation 5005689 (VCV005005689.2).

ClinVar aggregate classification (germline): Uncertain significance (1 of 4 stars; one submission).

Conditions:
Ciliary dyskinesia, primary, 40. Also called: CILIARY DYSKINESIA, PRIMARY, 40, WITH OR WITHOUT SITUS INVERSUS. Identifiers: MedGen C4749028, MONDO:0032664, OMIM 618300.

gnomAD v4.1: 9 of 1,614,154 alleles (0.00056%); highest among the groups gnomAD compares: East Asian, 0.0089%; no homozygotes.

Submission:

Juno Genomics, Hangzhou Juno Genomics, Inc
Classification: Uncertain significance for Ciliary dyskinesia, primary, 40. Review status: criteria provided, single submitter. Criteria: ACMG Guidelines, 2015. Collection method: clinical testing. Allele origin: germline.
Comment: Absent from controls (or at extremely low frequency if recessive) in Genome Aggregation Database.